The following is an entry in ClinVar:

Single allele

Gene: DMD (dystrophin; minus strand). Cytogenetic location: Xp21.1.
Variant type: Deletion.
Identifiers: ClinVar variation 4813975 (VCV004813975.1).

ClinVar aggregate classification (germline): Likely pathogenic (1 of 4 stars; one submission).

Conditions:
Elevated circulating creatine kinase activity. Also called: Elevated serum creatine phosphokinase; Elevated circulating creatine kinase concentration; Elevated creatine kinase. Identifiers: MedGen C0241005, HP:0003236.

Submission:

Clinical Genetics Laboratory, Skane University Hospital Lund
Classification: Likely pathogenic for Elevated circulating creatine kinase activity. Last evaluated: 2026-03-25. Review status: criteria provided, single submitter. Criteria: ACMG Guidelines, 2015. Collection method: clinical testing. Allele origin: germline. Affected: yes.
Comment: ACMG-criteria used: PS4, PM4